The following is an entry in ClinVar:

NM_000400.4(ERCC2):c.1052A>G (p.Gln351Arg)

Gene: ERCC2 (ERCC excision repair 2, TFIIH core complex helicase subunit; minus strand). Cytogenetic location: 19q13.32.
Variant type: single nucleotide variant.
Coding change: c.1052A>G on transcript NM_000400.4 (MANE Select); coding-DNA position 1052, A replaced by G.
Protein change: p.Gln351Arg; replaces glutamine 351 with arginine.
Molecular consequence: missense variant.
Genome position (GRCh38, 1-based): chr19:45,363,809, T>C on the plus strand (A>G on the coding strand, the complement: ERCC2 is on the minus strand). VCF-style: chr19-45363809-T-C. GRCh37 (hg19) VCF-style: chr19-45867067-T-C.
Other names: c.980A>G, p.Gln327Arg (NM_001130867.2); short protein forms Q327R, Q351R.
Identifiers: ClinVar variation 3231615 (VCV003231615.1), dbSNP rs2514028578, ClinGen allele CA406372463.
Genomic context (GRCh38, chr19:45,363,809, plus strand): 5'-GGCTTGCGCTGGATGCACACGCGCTGGGCCAGGCCGCTCAGGAAGGCGGGCGGGCTCTCC[T>C]GCACCACATGCTGCACACGCAGCCGCCACTTCACGTACTCCAGCAGCCGCCTCAGGAAGC-3'
Protein context (NP_000391.1, residues 341-361): KWRLRVQHVV[Gln351Arg]ESPPAFLSGL

ClinVar aggregate classification (germline): Uncertain significance (1 of 4 stars; one submission).

Conditions:
Inborn genetic diseases. Identifiers: MedGen C0950123, MeSH D030342.

Submission:

Ambry Genetics
Classification: Uncertain significance for Inborn genetic diseases. Last evaluated: 2023-09-18. Review status: criteria provided, single submitter. Criteria: Ambry Variant Classification Scheme 2023. Collection method: clinical testing. Allele origin: germline.
Comment: The p.Q351R variant (also known as c.1052A>G), located in coding exon 11 of the ERCC2 gene, results from an A to G substitution at nucleotide position 1052. The glutamine at codon 351 is replaced by arginine, an amino acid with highly similar properties. This amino acid position is conserved. In addition, this alteration is predicted to be deleterious by in silico analysis. Since supporting evidence is limited at this time, the clinical significance of this alteration remains unclear.